The following is an entry in ClinVar:

ClinVar aggregate classification (germline): Uncertain significance (1 of 4 stars; one submission).

Conditions:
Inborn genetic diseases. Identifiers: MedGen C0950123, MeSH D030342.

Submission:

Ambry Genetics
Classification: Uncertain significance for Inborn genetic diseases. Last evaluated: 2025-07-16. Review status: criteria provided, single submitter. Criteria: Ambry Variant Classification Scheme 2023. Collection method: clinical testing. Allele origin: germline.
Comment: The p.I201T variant (also known as c.602T>C), located in coding exon 7 of the DDX41 gene, results from a T to C substitution at nucleotide position 602. The isoleucine at codon 201 is replaced by threonine, an amino acid with similar properties. This amino acid position is conserved. In addition, the in silico prediction for this alteration is inconclusive. Based on the available evidence, the clinical significance of this variant remains unclear.

NM_016222.4(DDX41):c.602T>C (p.Ile201Thr)

Gene: DDX41 (DEAD-box helicase 41; minus strand). Cytogenetic location: 5q35.3.
Variant type: single nucleotide variant.
Coding change: c.602T>C on transcript NM_016222.4 (MANE Select); coding-DNA position 602, T replaced by C.
Protein change: p.Ile201Thr; replaces isoleucine 201 with threonine.
Molecular consequence: missense variant.
Genome position (GRCh38, 1-based): chr5:177,515,228, A>G on the plus strand (T>C on the coding strand, the complement: DDX41 is on the minus strand). VCF-style: chr5-177515228-A-G. GRCh37 (hg19) VCF-style: chr5-176942229-A-G.
Other names: c.224T>C, p.Ile75Thr (NM_001321732.2, NM_001321830.2); short protein forms I201T, I75T.
Identifiers: ClinVar variation 4238772 (VCV004238772.1).